The following is an entry in ClinVar:

NM_001204375.2(NPR3):c.1261A>G (p.Met421Val)

Gene: NPR3 (natriuretic peptide receptor 3; plus strand). Cytogenetic location: 5p13.3.
Variant type: single nucleotide variant.
Coding change: c.1261A>G on transcript NM_001204375.2 (MANE Select); coding-DNA position 1261, A replaced by G.
Protein change: p.Met421Val; replaces methionine 421 with valine.
Molecular consequence: missense variant.
Genome position (GRCh38, 1-based): chr5:32,780,787, A>G. VCF-style: chr5-32780787-A-G. GRCh37 (hg19) VCF-style: chr5-32780893-A-G.
Other names: c.1261A>G, p.Met421Val (NM_000908.4); c.613A>G, p.Met205Val (NM_001204376.2, NM_001363652.2); c.541A>G, p.Met181Val (NM_001364458.2); c.490A>G, p.Met164Val (NM_001364460.2); short protein forms M164V, M181V, M205V, M421V.
Identifiers: ClinVar variation 1918730 (VCV001918730.5), dbSNP rs755975308, ClinGen allele CA3222605.

ClinVar aggregate classification (germline): Uncertain significance (1 of 4 stars; one submission).

Allele frequency attached by ClinVar (database versions not stated): gnomAD exomes below 0.00001; TOPMed below 0.00001; ExAC 0.00001; gnomAD 0.00001.
gnomAD v4.1: 4 of 1,595,220 alleles (0.00025%); highest among the groups gnomAD compares: Non-Finnish European, 0.00034%; no homozygotes.

Submission:

Labcorp Genetics (formerly Invitae), Labcorp
Classification: Uncertain significance. Last evaluated: 2022-04-09. Review status: criteria provided, single submitter. Criteria: Invitae Variant Classification Sherloc (09022015). Collection method: clinical testing. Allele origin: germline.
Comment: This sequence change replaces methionine, which is neutral and non-polar, with valine, which is neutral and non-polar, at codon 421 of the NPR3 protein (p.Met421Val). This variant is present in population databases (rs755975308, gnomAD 0.0009%). This variant has not been reported in the literature in individuals affected with NPR3-related conditions. Algorithms developed to predict the effect of missense changes on protein structure and function are either unavailable or do not agree on the potential impact of this missense change (SIFT: "Deleterious"; PolyPhen-2: "Probably Damaging"; Align-GVGD: "Class C15"). In summary, the available evidence is currently insufficient to determine the role of this variant in disease. Therefore, it has been classified as a Variant of Uncertain Significance.